The following is an entry in ClinVar:

NM_198428.3(BBS9):c.1760G>A (p.Arg587Gln)

Gene: BBS9 (Bardet-Biedl syndrome 9; plus strand). Cytogenetic location: 7p14.3.
Variant type: single nucleotide variant.
Coding change: c.1760G>A on transcript NM_198428.3 (MANE Select); coding-DNA position 1760, G replaced by A.
Protein change: p.Arg587Gln; replaces arginine 587 with glutamine.
Molecular consequence: missense variant. On other transcripts: non-coding transcript variant (3).
Genome position (GRCh38, 1-based): chr7:33,367,833, G>A. VCF-style: chr7-33367833-G-A. GRCh37 (hg19) VCF-style: chr7-33407445-G-A.
Other names: c.1655G>A, p.Arg552Gln (NM_001033604.2); c.1745G>A, p.Arg582Gln (NM_001033605.2); c.1760G>A, p.Arg587Gln (NM_001348036.1, NM_001348041.4, NM_001348043.3 and 1 more transcripts); c.1394G>A, p.Arg465Gln (NM_001348037.3, NM_001348045.3, NM_001348046.3); c.1487G>A, p.Arg496Gln (NM_001348038.3); c.1382G>A, p.Arg461Gln (NM_001348039.3); c.1640G>A, p.Arg547Gln (NM_001348040.3, NM_014451.4); c.1625G>A, p.Arg542Gln (NM_001348042.3); and 1 more; short protein forms R461Q, R496Q, R542Q, R582Q, R587Q, R465Q, R430Q, R547Q.
Identifiers: ClinVar variation 910082 (VCV000910082.14), dbSNP rs149042169, ClinGen allele CA4214482.

ClinVar aggregate classification (germline): Conflicting classifications of pathogenicity. Review status: criteria provided, conflicting classifications (1 of 4 stars). 7 submissions from 7 submitters: Uncertain significance (5); Likely benign (1). 1 of the submissions does not count toward it. Last evaluated 2024-04-29.

Conditions:
BBS9-related ciliopathy. Identifiers: MedGen CN375911, MONDO:0700236.
BBS9-related disorder. Also called: BBS9-related condition.
Bardet-Biedl syndrome (BBS). Identifiers: Orphanet 110, MedGen C0752166, MONDO:0015229.
Bardet-Biedl syndrome 9 (BBS9). Identifiers: Orphanet 110, MedGen C1859567, MONDO:0014437, OMIM 615986.

Allele frequency attached by ClinVar (database versions not stated): ESP Exome Variant Server 0.00008; TOPMed 0.00008; gnomAD 0.00014 and 0.00023; gnomAD exomes 0.00015; 1000 Genomes Project 30x 0.00016; 1000 Genomes Project 0.00020; ExAC 0.00021.
gnomAD v4.1: 454 of 1,613,766 alleles (0.028%); highest among the groups gnomAD compares: East Asian, 0.62%; 3 homozygotes.

Submissions (7):

Fulgent Genetics
Classification: Uncertain significance for Bardet-Biedl syndrome 9. Last evaluated: 2024-04-29. Review status: criteria provided, single submitter. Criteria: ACMG Guidelines, 2015. Collection method: clinical testing. Allele origin: germline.

Blueprint Genetics
Classification: Likely benign. Last evaluated: 2022-11-15. Review status: criteria provided, single submitter. Criteria: ACMG Guidelines, 2015. Collection method: clinical testing. Allele origin: germline.

Labcorp Genetics (formerly Invitae), Labcorp
Classification: Uncertain significance for Bardet-Biedl syndrome. Last evaluated: 2022-10-24. Review status: criteria provided, single submitter. Criteria: Invitae Variant Classification Sherloc (09022015). Collection method: clinical testing. Allele origin: germline.
Comment: This sequence change replaces arginine, which is basic and polar, with glutamine, which is neutral and polar, at codon 587 of the BBS9 protein (p.Arg587Gln). This variant is present in population databases (rs149042169, gnomAD 0.1%). This variant has not been reported in the literature in individuals affected with BBS9-related conditions. ClinVar contains an entry for this variant (Variation ID: 910082). Advanced modeling of protein sequence and biophysical properties (such as structural, functional, and spatial information, amino acid conservation, physicochemical variation, residue mobility, and thermodynamic stability) performed at Invitae indicates that this missense variant is not expected to disrupt BBS9 protein function. In summary, the available evidence is currently insufficient to determine the role of this variant in disease. Therefore, it has been classified as a Variant of Uncertain Significance.

Department of Pathology and Laboratory Medicine, Sinai Health System
Classification: Uncertain significance for BBS9-related ciliopathy. Last evaluated: 2021-10-27. Review status: criteria provided, single submitter. Criteria: ACMG Guidelines, 2015. Collection method: research. Allele origin: germline.

Women's Health and Genetics/Laboratory Corporation of America, LabCorp
Classification: Uncertain significance. Last evaluated: 2021-09-10. Review status: criteria provided, single submitter. Criteria: LabCorp Variant Classification Summary - May 2015. Collection method: clinical testing. Allele origin: germline.

Illumina Laboratory Services, Illumina
Classification: Uncertain significance for Bardet-Biedl syndrome 9. Last evaluated: 2017-04-27. Review status: criteria provided, single submitter. Criteria: ICSL Variant Classification Criteria 13 December 2019. Collection method: clinical testing. Allele origin: germline.

PreventionGenetics, part of Exact Sciences
Classification: Likely benign for BBS9-related condition. Last evaluated: 2024-05-24. Review status: no assertion criteria provided. Collection method: clinical testing. Allele origin: germline. Not counted in ClinVar's aggregate classification.
Comment: This variant is classified as likely benign based on ACMG/AMP sequence variant interpretation guidelines (Richards et al. 2015 PMID: 25741868, with internal and published modifications).